The following is an entry in ClinVar:

NM_000522.5(HOXA13):c.133G>T (p.Ala45Ser)

Genes: HOXA13 (homeobox A13; minus strand), LOC107126288 (NUP98-HOXA13 recombination region; plus strand). Cytogenetic location: 7p15.2.
Variant type: single nucleotide variant.
Coding change: c.133G>T on transcript NM_000522.5 (MANE Select); coding-DNA position 133, G replaced by T.
Protein change: p.Ala45Ser; replaces alanine 45 with serine.
Molecular consequence: missense variant.
Genome position (GRCh38, 1-based): chr7:27,199,945, C>A on the plus strand (G>T on the coding strand, the complement: HOXA13 is on the minus strand). VCF-style: chr7-27199945-C-A. GRCh37 (hg19) VCF-style: chr7-27239564-C-A.
Other names: short protein forms A45S.
Identifiers: ClinVar variation 2819935 (VCV002819935.3), dbSNP rs1289314405, ClinGen allele CA367076120.

ClinVar aggregate classification (germline): Uncertain significance (1 of 4 stars; one submission).

Submission:

Labcorp Genetics (formerly Invitae), Labcorp
Classification: Uncertain significance. Last evaluated: 2024-06-03. Review status: criteria provided, single submitter. Criteria: Invitae Variant Classification Sherloc (09022015). Collection method: clinical testing. Allele origin: germline.
Comment: This sequence change replaces alanine, which is neutral and non-polar, with serine, which is neutral and polar, at codon 45 of the HOXA13 protein (p.Ala45Ser). This variant is not present in population databases (gnomAD no frequency). This variant has not been reported in the literature in individuals affected with HOXA13-related conditions. Experimental studies and prediction algorithms are not available or were not evaluated, and the functional significance of this variant is currently unknown. In summary, the available evidence is currently insufficient to determine the role of this variant in disease. Therefore, it has been classified as a Variant of Uncertain Significance.